The following is an entry in ClinVar:

NM_001122955.4(BSCL2):c.282G>A (p.Gln94=)

Genes: BSCL2 (BSCL2 lipid droplet biogenesis associated, seipin; minus strand), HNRNPUL2-BSCL2 (HNRNPUL2-BSCL2 readthrough (NMD candidate); minus strand). Cytogenetic location: 11q12.3.
Variant type: single nucleotide variant.
Coding change: c.282G>A on transcript NM_001122955.4 (MANE Select); coding-DNA position 282, G replaced by A.
Protein change: p.Gln94=; no amino-acid change (glutamine 94 retained).
Molecular consequence: synonymous variant. On other transcripts: non-coding transcript variant (1).
Genome position (GRCh38, 1-based): chr11:62,705,423, C>T on the plus strand (G>A on the coding strand, the complement: BSCL2 is on the minus strand). VCF-style: chr11-62705423-C-T. GRCh37 (hg19) VCF-style: chr11-62472895-C-T.
Other names: c.90G>A, p.Gln30= (NM_001130702.2, NM_032667.6); c.282G>A, p.Gln94= (NM_001386027.1, NM_001386028.1).
Identifiers: ClinVar variation 5039081 (VCV005039081.1).

ClinVar aggregate classification (germline): Likely benign (1 of 4 stars; one submission).

Submission:

CeGaT Center for Human Genetics Tuebingen
Classification: Likely benign. Last evaluated: 2026-07-01. Review status: criteria provided, single submitter. Criteria: CeGaT Center For Human Genetics Tuebingen Variant Classification Criteria Version 2. Collection method: clinical testing. Allele origin: germline. Affected: yes. Observed: 1 variant allele.
Comment: BSCL2: PM2:Supporting, BP4, BP7